The following is an entry in ClinVar:

ClinVar aggregate classification (germline): Uncertain significance. Review status: criteria provided, multiple submitters, no conflicts (2 of 4 stars). 2 submissions from 2 submitters: Uncertain significance (2). Last evaluated 2026-02-27.

Conditions:
ADCY3-related disorder. Also called: ADCY3-related condition.
Inborn genetic diseases. Identifiers: MedGen C0950123, MeSH D030342.

Allele frequency attached by ClinVar (database versions not stated): TOPMed below 0.00001; gnomAD 0.00001.

Submissions (2):

PreventionGenetics, part of Exact Sciences
Classification: Uncertain significance for ADCY3-related condition. Last evaluated: 2026-02-27. Review status: criteria provided, single submitter. Criteria: ACMG Guidelines, 2015. Collection method: clinical testing. Allele origin: germline.
Comment: The ADCY3 c.133T>C variant is predicted to result in the amino acid substitution p.Ser45Pro. To our knowledge, this variant has not been reported in the literature. This variant is reported in 0.0024% of alleles in individuals of European (Non-Finnish) descent in gnomAD. At this time, the clinical significance of this variant is uncertain due to the absence of conclusive functional and genetic evidence.

Ambry Genetics
Classification: Uncertain significance for Inborn genetic diseases. Last evaluated: 2025-05-05. Review status: criteria provided, single submitter. Criteria: Ambry Variant Classification Scheme 2023. Collection method: clinical testing. Allele origin: germline.

NM_004036.5(ADCY3):c.133T>C (p.Ser45Pro)

Gene: ADCY3 (adenylate cyclase 3; minus strand). Cytogenetic location: 2p23.3.
Variant type: single nucleotide variant.
Coding change: c.133T>C on transcript NM_004036.5 (MANE Select); coding-DNA position 133, T replaced by C.
Protein change: p.Ser45Pro; replaces serine 45 with proline.
Molecular consequence: missense variant.
Genome position (GRCh38, 1-based): chr2:24,918,855, A>G on the plus strand (T>C on the coding strand, the complement: ADCY3 is on the minus strand). VCF-style: chr2-24918855-A-G. GRCh37 (hg19) VCF-style: chr2-25141724-A-G.
Other names: c.133T>C (NM_004036.3); c.133T>C, p.Ser45Pro (NM_001320613.2, NM_001377128.1, NM_001377129.1 and 2 more transcripts); short protein forms S45P.
Identifiers: ClinVar variation 2634481 (VCV002634481.3), dbSNP rs1171056841, ClinGen allele CA346063984.